The following is an entry in ClinVar:

ClinVar aggregate classification (germline): Pathogenic (0 of 4 stars; one submission).

Conditions:
Rabson-Mendenhall syndrome. Also called: Pineal Hyperplasia, Insulin-Resistant Diabetes Mellitus, and Somatic Abnormalities; Pineal hyperplasia AND diabetes mellitus syndrome; MENDENHALL SYNDROME. Identifiers: Orphanet 769, MedGen C0271695, MONDO:0009874, OMIM 262190.

Submission:

Medical Research Institute, Tokyo Medical and Dental University
Classification: Pathogenic for Rabson-Mendenhall syndrome. Last evaluated: 2014-06-02. Review status: no assertion criteria provided. Collection method: research. Allele origin: germline. Affected: yes. Observed: 1 variant allele.
Comment: This mutaion was confirmed compound heterozygosity.

Sanger sequencing.

Literature cited by the submitters: PubMed 28765322.

NM_000208.2:c.[766C>T;2997T>G]

Variant type: Haplotype.
Identifiers: ClinVar variation 377383 (VCV000377383.2).